The following is an entry in ClinVar:

ClinVar aggregate classification (germline): Uncertain significance. Review status: criteria provided, multiple submitters, no conflicts (2 of 4 stars). 6 submissions from 6 submitters: Uncertain significance (5). 1 of the submissions does not count toward it. Last evaluated 2025-08-25.

Conditions:
Malignant tumor of breast. Also called: Malignant breast neoplasm; Cancer breast. Identifiers: MedGen C0006142, MONDO:0007254. Disease mechanism: loss of function.
Hereditary cancer-predisposing syndrome. Also called: Hereditary neoplastic syndrome; Tumor predisposition; Neoplastic Syndromes, Hereditary; Hereditary Cancer Syndrome. Identifiers: Orphanet 140162, MedGen C0027672, MeSH D009386, MONDO:0015356.
Hereditary diffuse gastric adenocarcinoma (HDGC). Also called: DIFFUSE GASTRIC AND LOBULAR BREAST CANCER SYNDROME. Identifiers: Orphanet 26106, MedGen C1708349, MONDO:0007648, OMIM 137215.

Allele frequency attached by ClinVar (database versions not stated): gnomAD 0.00001; gnomAD exomes 0.00001.
gnomAD v4.1: 11 of 1,613,792 alleles (0.00068%); highest among the groups gnomAD compares: East Asian, 0.0022%; no homozygotes.

Submissions (6):

Labcorp Genetics (formerly Invitae), Labcorp
Classification: Uncertain significance for Hereditary diffuse gastric adenocarcinoma. Last evaluated: 2025-08-25. Review status: criteria provided, single submitter. Criteria: Invitae Variant Classification Sherloc (09022015). Collection method: clinical testing. Allele origin: germline.
Comment: This sequence change replaces aspartic acid, which is acidic and polar, with glycine, which is neutral and non-polar, at codon 805 of the CDH1 protein (p.Asp805Gly). This variant is present in population databases (no rsID available, gnomAD 0.003%). This missense change has been observed in individual(s) with breast cancer (PMID: 32885271). ClinVar contains an entry for this variant (Variation ID: 483232). An algorithm developed to predict the effect of missense changes on protein structure and function (PolyPhen-2) suggests that this variant is likely to be disruptive. In summary, the available evidence is currently insufficient to determine the role of this variant in disease. Therefore, it has been classified as a Variant of Uncertain Significance.

GeneDx
Classification: Uncertain significance. Last evaluated: 2025-05-05. Review status: criteria provided, single submitter. Criteria: GeneDx Variant Classification Process June 2021. Collection method: clinical testing. Allele origin: germline. Affected: yes.
Comment: Not observed at significant frequency in large population cohorts (gnomAD); In silico analysis supports that this missense variant has a deleterious effect on protein structure/function; Observed in an individual with breast cancer (PMID: 32885271); This variant is associated with the following publications: (PMID: 32885271)

Ambry Genetics
Classification: Uncertain significance for Hereditary cancer-predisposing syndrome. Last evaluated: 2024-10-11. Review status: criteria provided, single submitter. Criteria: Ambry Variant Classification Scheme 2023. Collection method: clinical testing. Allele origin: germline.
Comment: The p.D805G variant (also known as c.2414A>G), located in coding exon 15 of the CDH1 gene, results from an A to G substitution at nucleotide position 2414. The aspartic acid at codon 805 is replaced by glycine, an amino acid with similar properties. This variant was also observed in 1/3251 individuals who met the eligibility criteria for hereditary breast and ovarian cancer syndrome (Lerner-Ellis J et al. J Cancer Res Clin Oncol, 2021 Mar;147:871-879). This amino acid position is well conserved in available vertebrate species. In addition, the in silico prediction for this alteration is inconclusive. Since supporting evidence is limited at this time, the clinical significance of this alteration remains unclear.

Color Diagnostics, LLC DBA Color Health
Classification: Uncertain significance for Hereditary cancer-predisposing syndrome. Last evaluated: 2023-07-17. Review status: criteria provided, single submitter. Criteria: ACMG Guidelines, 2015. Collection method: clinical testing. Allele origin: germline.
Comment: This missense variant replaces aspartic acid with glycine at codon 805 of the CDH1 protein. To our knowledge, functional studies have not been reported for this variant. This variant has been reported in an individual affected with breast cancer (PMID: 32885271). This variant has been identified in 2/251318 chromosomes in the general population by the Genome Aggregation Database (gnomAD). The available evidence is insufficient to determine the role of this variant in disease conclusively. Therefore, this variant is classified as a Variant of Uncertain Significance.

CeGaT Center for Human Genetics Tuebingen
Classification: Uncertain significance. Last evaluated: 2019-06-01. Review status: criteria provided, single submitter. Criteria: CeGaT Center For Human Genetics Tuebingen Variant Classification Criteria Version 2. Collection method: clinical testing. Allele origin: germline. Affected: yes. Observed: 1 variant allele.

Department of Pathology and Laboratory Medicine, Sinai Health System
Classification: Uncertain significance for Malignant tumor of breast. Review status: no assertion criteria provided. Collection method: clinical testing. Allele origin: unknown. Affected: yes. Observed: 1 variant allele. Study: The Canadian Open Genetics Repository (COGR). Not counted in ClinVar's aggregate classification.
Comment: The CDH1 p.Asp805Gly variant was not identified in the literature nor was it identified in the dbSNP database. The variant was identified in ClinVar (classified as uncertain significance by Invitae and Ambry Genetics). The variant was identified in control databases in 2 of 246106 chromosomes at a frequency of 0.000008 (Genome Aggregation Database Feb 27, 2017). The variant was observed in the following populations: European in 1 of 111638 chromosomes (freq: 0.000009), and South Asian in 1 of 30770 chromosomes (freq: 0.00003); it was not observed in the African, Other, Latino, Ashkenazi Jewish, East Asian, or European Finnish populations. The p.Asp805 residue is conserved in mammals but not in more distantly related organisms, and four out of five computational analyses (PolyPhen-2, SIFT, AlignGVGD, BLOSUM, MutationTaster) suggest that the variant may impact the protein; however, this information is not predictive enough to assume pathogenicity. The variant occurs outside of the splicing consensus sequence and 1 of 4 in silico or computational prediction software programs (SpliceSiteFinder, MaxEntScan, NNSPLICE, GeneSplice) predict a greater than 10% difference in splicing; this is not very predictive of pathogenicity. In summary, based on the above information the clinical significance of this variant cannot be determined with certainty at this time. This variant is classified as a variant of uncertain significance.

Literature cited by the submitters: PubMed 32885271 (cited by 3 submitters).

NM_004360.5(CDH1):c.2414A>G (p.Asp805Gly)

Gene: CDH1 (cadherin 1; plus strand). Cytogenetic location: 16q22.1.
Variant type: single nucleotide variant.
Coding change: c.2414A>G on transcript NM_004360.5 (MANE Select); coding-DNA position 2414, A replaced by G.
Protein change: p.Asp805Gly; replaces aspartic acid 805 with glycine.
Molecular consequence: missense variant.
Genome position (GRCh38, 1-based): chr16:68,829,772, A>G. VCF-style: chr16-68829772-A-G. GRCh37 (hg19) VCF-style: chr16-68863675-A-G.
Other names: c.2414A>G (LRG_301t1); c.2231A>G, p.Asp744Gly (NM_001317184.2); c.866A>G, p.Asp289Gly (NM_001317185.2); c.449A>G, p.Asp150Gly (NM_001317186.2); short protein forms D805G, D289G, D150G, D744G.
Identifiers: ClinVar variation 483232 (VCV000483232.63), dbSNP rs1481419710, ClinGen allele CA396471272.